The following is an entry in ClinVar:

NM_152424.4(AMER1):c.1087G>A (p.Val363Met)

Gene: AMER1 (APC membrane recruitment protein 1; minus strand). Cytogenetic location: Xq11.2.
Variant type: single nucleotide variant.
Coding change: c.1087G>A on transcript NM_152424.4 (MANE Select); coding-DNA position 1087, G replaced by A.
Protein change: p.Val363Met; replaces valine 363 with methionine.
Molecular consequence: missense variant.
Genome position (GRCh38, 1-based): chrX:64,192,200, C>T on the plus strand (G>A on the coding strand, the complement: AMER1 is on the minus strand). VCF-style: chrX-64192200-C-T. GRCh37 (hg19) VCF-style: chrX-63412080-C-T.
Other names: short protein forms V363M.
Identifiers: ClinVar variation 3690130 (VCV003690130.2).

ClinVar aggregate classification (germline): Uncertain significance (1 of 4 stars; one submission).

Submission:

Labcorp Genetics (formerly Invitae), Labcorp
Classification: Uncertain significance. Last evaluated: 2024-08-21. Review status: criteria provided, single submitter. Criteria: Invitae Variant Classification Sherloc (09022015). Collection method: clinical testing. Allele origin: germline.
Comment: This sequence change replaces valine, which is neutral and non-polar, with methionine, which is neutral and non-polar, at codon 363 of the AMER1 protein (p.Val363Met). This variant is not present in population databases (gnomAD no frequency). This variant has not been reported in the literature in individuals affected with AMER1-related conditions. An algorithm developed to predict the effect of missense changes on protein structure and function (PolyPhen-2) suggests that this variant is likely to be disruptive. In summary, the available evidence is currently insufficient to determine the role of this variant in disease. Therefore, it has been classified as a Variant of Uncertain Significance.